The following is an entry in ClinVar:

NM_017617.5(NOTCH1):c.2051G>C (p.Gly684Ala)

Gene: NOTCH1 (notch receptor 1; minus strand). Cytogenetic location: 9q34.3.
Variant type: single nucleotide variant.
Coding change: c.2051G>C on transcript NM_017617.5 (MANE Select); coding-DNA position 2051, G replaced by C.
Protein change: p.Gly684Ala; replaces glycine 684 with alanine.
Molecular consequence: missense variant.
Genome position (GRCh38, 1-based): chr9:136,514,666, C>G on the plus strand (G>C on the coding strand, the complement: NOTCH1 is on the minus strand). VCF-style: chr9-136514666-C-G. GRCh37 (hg19) VCF-style: chr9-139409118-C-G.
Other names: short protein forms G684A.
Identifiers: ClinVar variation 2110737 (VCV002110737.4), dbSNP rs1468929774, ClinGen allele CA375558844.

ClinVar aggregate classification (germline): Uncertain significance (1 of 4 stars; one submission).

Conditions:
Adams-Oliver syndrome 5 (AOS5). Identifiers: Orphanet 974, MedGen C4014970, MONDO:0014459, OMIM 616028.

Submission:

Labcorp Genetics (formerly Invitae), Labcorp
Classification: Uncertain significance for Adams-Oliver syndrome 5. Last evaluated: 2025-12-08. Review status: criteria provided, single submitter. Criteria: Invitae Variant Classification Sherloc (09022015). Collection method: clinical testing. Allele origin: germline.
Comment: This sequence change replaces glycine, which is neutral and non-polar, with alanine, which is neutral and non-polar, at codon 684 of the NOTCH1 protein (p.Gly684Ala). This variant is not present in population databases (gnomAD no frequency). This variant has not been reported in the literature in individuals affected with NOTCH1-related conditions. ClinVar contains an entry for this variant (Variation ID: 2110737). Invitae Evidence Modeling of protein sequence and biophysical properties (such as structural, functional, and spatial information, amino acid conservation, physicochemical variation, residue mobility, and thermodynamic stability) indicates that this missense variant is not expected to disrupt NOTCH1 protein function with a negative predictive value of 80%. In summary, the available evidence is currently insufficient to determine the role of this variant in disease. Therefore, it has been classified as a Variant of Uncertain Significance.